The following is an entry in ClinVar:

NM_172364.5(CACNA2D4):c.2921+7G>C

Gene: CACNA2D4 (calcium voltage-gated channel auxiliary subunit alpha2delta 4; minus strand). Cytogenetic location: 12p13.33.
Variant type: single nucleotide variant.
Coding change: c.2921+7G>C on transcript NM_172364.5 (MANE Select); 7 bases into the intron after coding-DNA position 2921, G replaced by C.
Molecular consequence: intron variant.
Genome position (GRCh38, 1-based): chr12:1,800,379, C>G on the plus strand (G>C on the coding strand, the complement: CACNA2D4 is on the minus strand). VCF-style: chr12-1800379-C-G. GRCh37 (hg19) VCF-style: chr12-1909545-C-G.
Identifiers: ClinVar variation 96534 (VCV000096534.21), dbSNP rs202022529, ClinGen allele CA149592.

ClinVar aggregate classification (germline): Benign/Likely benign. Review status: criteria provided, multiple submitters, no conflicts (2 of 4 stars). 5 submissions from 5 submitters: Benign (3); Likely benign (2). Last evaluated 2026-01-26.

Conditions:
Retinal cone dystrophy 4 (RCD4). Identifiers: Orphanet 1872, MedGen C1864849, MONDO:0012507, OMIM 610478.

Allele frequency attached by ClinVar (database versions not stated): gnomAD exomes 0.00025 and 0.00062; ExAC 0.00077; 1000 Genomes Project 0.00200; 1000 Genomes Project 30x 0.00203; gnomAD 0.00229; ESP Exome Variant Server 0.00289; TOPMed 0.00300.
gnomAD v4.1: 770 of 1,613,880 alleles (0.048%); highest among the groups gnomAD compares: African/African-American, 0.9%; 3 homozygotes.

Submissions (5):

Labcorp Genetics (formerly Invitae), Labcorp
Classification: Benign. Last evaluated: 2026-01-26. Review status: criteria provided, single submitter. Criteria: Invitae Variant Classification Sherloc (09022015). Collection method: clinical testing. Allele origin: germline.

Blueprint Genetics
Classification: Likely benign. Last evaluated: 2024-11-11. Review status: criteria provided, single submitter. Criteria: ACMG Guidelines, 2015. Collection method: clinical testing. Allele origin: germline.

Illumina Laboratory Services, Illumina
Classification: Likely benign for Retinal cone dystrophy 4. Last evaluated: 2018-01-12. Review status: criteria provided, single submitter. Criteria: ICSL Variant Classification Criteria 13 December 2019. Collection method: clinical testing. Allele origin: germline.
Comment: This variant was observed in the ICSL laboratory as part of a predisposition screen in an ostensibly healthy population. It had not been previously curated by ICSL or reported in the Human Gene Mutation Database (HGMD: prior to June 1st, 2018), and was therefore a candidate for classification through an automated scoring system. Utilizing variant allele frequency, disease prevalence and penetrance estimates, and inheritance mode, an automated score was calculated to assess if this variant is too frequent to cause the disease. Based on the score and internal cut-off values, a variant classified as likely benign is not then subjected to further curation. The score for this variant resulted in a classification of likely benign for this disease.

Eurofins Ntd Llc (ga)
Classification: Benign. Last evaluated: 2013-08-09. Review status: criteria provided, single submitter. Criteria: EGL Classification Definitions 2015. Collection method: clinical testing. Allele origin: germline. Observed: 2 variant alleles, 2 heterozygotes.

PreventionGenetics, part of Exact Sciences
Classification: Benign. Review status: criteria provided, single submitter. Criteria: ACMG Guidelines, 2015. Collection method: clinical testing. Allele origin: germline.